The following is an entry in ClinVar:

NM_006019.4(TCIRG1):c.1624G>A (p.Gly542Ser)

Gene: TCIRG1 (T cell immune regulator 1, ATPase H+ transporting V0 subunit a3; plus strand). Cytogenetic location: 11q13.2.
Variant type: single nucleotide variant.
Coding change: c.1624G>A on transcript NM_006019.4 (MANE Select); coding-DNA position 1624, G replaced by A.
Protein change: p.Gly542Ser; replaces glycine 542 with serine.
Molecular consequence: missense variant.
Genome position (GRCh38, 1-based): chr11:68,048,948, G>A. VCF-style: chr11-68048948-G-A. GRCh37 (hg19) VCF-style: chr11-67816415-G-A.
Other names: c.976G>A, p.Gly326Ser (NM_006053.4); c.730G>A, p.Gly244Ser (NM_001351059.2); short protein forms G542S, G244S, G326S.
Identifiers: ClinVar variation 3663299 (VCV003663299.2).
Genomic context (GRCh38, chr11:68,048,948, plus strand): 5'-CTGGCTGCCAACCACTTGAGCTTCCTCAACTCCTTCAAGATGAAGATGTCCGTCATCCTG[G>A]GCGTCGTGCACATGGCCTTTGGGGTGGTCCTCGGAGTCTTCAACCACGTGTGAGGGCCAA-3'
Protein context (NP_006010.2, residues 532-552): SFKMKMSVIL[Gly542Ser]VVHMAFGVVL

ClinVar aggregate classification (germline): Uncertain significance (1 of 4 stars; one submission).

Submission:

Labcorp Genetics (formerly Invitae), Labcorp
Classification: Uncertain significance. Last evaluated: 2024-08-22. Review status: criteria provided, single submitter. Criteria: Invitae Variant Classification Sherloc (09022015). Collection method: clinical testing. Allele origin: germline.
Comment: This sequence change replaces glycine, which is neutral and non-polar, with serine, which is neutral and polar, at codon 542 of the TCIRG1 protein (p.Gly542Ser). This variant is not present in population databases (gnomAD no frequency). This variant has not been reported in the literature in individuals affected with TCIRG1-related conditions. Invitae Evidence Modeling of protein sequence and biophysical properties (such as structural, functional, and spatial information, amino acid conservation, physicochemical variation, residue mobility, and thermodynamic stability) indicates that this missense variant is expected to disrupt TCIRG1 protein function with a positive predictive value of 80%. In summary, the available evidence is currently insufficient to determine the role of this variant in disease. Therefore, it has been classified as a Variant of Uncertain Significance.